The following is an entry in ClinVar:

NM_025215.6(PUS1):c.956G>T (p.Gly319Val)

Gene: PUS1 (pseudouridine synthase 1; plus strand). Cytogenetic location: 12q24.33.
Variant type: single nucleotide variant.
Coding change: c.956G>T on transcript NM_025215.6 (MANE Select); coding-DNA position 956, G replaced by T.
Protein change: p.Gly319Val; replaces glycine 319 with valine.
Molecular consequence: missense variant.
Genome position (GRCh38, 1-based): chr12:131,941,703, G>T. VCF-style: chr12-131941703-G-T. GRCh37 (hg19) VCF-style: chr12-132426248-G-T.
Other names: c.872G>T, p.Gly291Val (NM_001002019.3, NM_001002020.3); short protein forms G291V, G319V.
Identifiers: ClinVar variation 3692376 (VCV003692376.2).

ClinVar aggregate classification (germline): Uncertain significance (1 of 4 stars; one submission).

Submission:

Labcorp Genetics (formerly Invitae), Labcorp
Classification: Uncertain significance. Last evaluated: 2024-12-09. Review status: criteria provided, single submitter. Criteria: Invitae Variant Classification Sherloc (09022015). Collection method: clinical testing. Allele origin: germline.
Comment: This sequence change replaces glycine, which is neutral and non-polar, with valine, which is neutral and non-polar, at codon 319 of the PUS1 protein (p.Gly319Val). This variant is not present in population databases (gnomAD no frequency). This variant has not been reported in the literature in individuals affected with PUS1-related conditions. Invitae Evidence Modeling of protein sequence and biophysical properties (such as structural, functional, and spatial information, amino acid conservation, physicochemical variation, residue mobility, and thermodynamic stability) indicates that this missense variant is expected to disrupt PUS1 protein function with a positive predictive value of 80%. In summary, the available evidence is currently insufficient to determine the role of this variant in disease. Therefore, it has been classified as a Variant of Uncertain Significance.